The following is an entry in ClinVar:

ClinVar aggregate classification (germline): Uncertain significance (1 of 4 stars; one submission).

Allele frequency attached by ClinVar (database versions not stated): TOPMed 0.00001.
gnomAD v4.1: 1 of 1,614,064 alleles (0.000062%); highest among the groups gnomAD compares: Non-Finnish European, 0.000085%; no homozygotes.

Submission:

Labcorp Genetics (formerly Invitae), Labcorp
Classification: Uncertain significance. Last evaluated: 2018-12-24. Review status: criteria provided, single submitter. Criteria: Invitae Variant Classification Sherloc (09022015). Collection method: clinical testing. Allele origin: germline.
Comment: In summary, the available evidence is currently insufficient to determine the role of this variant in disease. Therefore, it has been classified as a Variant of Uncertain Significance. Algorithms developed to predict the effect of missense changes on protein structure and function (SIFT, PolyPhen-2, Align-GVGD) all suggest that this variant is likely to be disruptive, but these predictions have not been confirmed by published functional studies and their clinical significance is uncertain. This variant has not been reported in the literature in individuals with SPART-related conditions. This variant is not present in population databases (ExAC no frequency). This sequence change replaces glycine with cysteine at codon 441 of the SPART protein (p.Gly441Cys). The glycine residue is highly conserved and there is a large physicochemical difference between glycine and cysteine.

NM_015087.5(SPART):c.1321G>T (p.Gly441Cys)

Gene: SPART (spartin; minus strand). Cytogenetic location: 13q13.3.
Variant type: single nucleotide variant.
Coding change: c.1321G>T on transcript NM_015087.5 (MANE Select); coding-DNA position 1321, G replaced by T.
Protein change: p.Gly441Cys; replaces glycine 441 with cysteine.
Molecular consequence: missense variant.
Genome position (GRCh38, 1-based): chr13:36,314,389, C>A on the plus strand (G>T on the coding strand, the complement: SPART is on the minus strand). VCF-style: chr13-36314389-C-A. GRCh37 (hg19) VCF-style: chr13-36888526-C-A.
Other names: c.1321G>T, p.Gly441Cys (NM_001142294.2, NM_001142295.2, NM_001142296.2); short protein forms G441C.
Identifiers: ClinVar variation 639900 (VCV000639900.8), dbSNP rs1593227853, ClinGen allele CA387857667.
Genomic context (GRCh38, chr13:36,314,389, plus strand): 5'-GAATCCGCTCTCGGAGTTTAGAAGCACCTTTCTGGATTGCCTTACCAGTAATCTCAGCAC[C>A]TTTGACTAAACCCCAACTCACCCAGGAAGCACCTTTTTAAAAGAAAATTTAAAATTGCAC-3'
Protein context (NP_055902.1, residues 431-451): ASWVSWGLVK[Gly441Cys]AEITGKAIQK